The following is an entry in ClinVar:

NM_017654.4(SAMD9):c.1313C>T (p.Ala438Val)

Gene: SAMD9 (sterile alpha motif domain containing 9; minus strand). Cytogenetic location: 7q21.2.
Variant type: single nucleotide variant.
Coding change: c.1313C>T on transcript NM_017654.4 (MANE Select); coding-DNA position 1313, C replaced by T.
Protein change: p.Ala438Val; replaces alanine 438 with valine.
Molecular consequence: missense variant.
Genome position (GRCh38, 1-based): chr7:93,104,785, G>A on the plus strand (C>T on the coding strand, the complement: SAMD9 is on the minus strand). VCF-style: chr7-93104785-G-A. GRCh37 (hg19) VCF-style: chr7-92734098-G-A.
Other names: c.1313C>T, p.Ala438Val (NM_001193307.2); short protein forms A438V.
Identifiers: ClinVar variation 4159196 (VCV004159196.1).

ClinVar aggregate classification (germline): Uncertain significance (1 of 4 stars; one submission).

Conditions:
Inborn genetic diseases. Identifiers: MedGen C0950123, MeSH D030342.

Submission:

Ambry Genetics
Classification: Uncertain significance for Inborn genetic diseases. Last evaluated: 2025-08-30. Review status: criteria provided, single submitter. Criteria: Ambry Variant Classification Scheme 2023. Collection method: clinical testing. Allele origin: germline.
Comment: The p.A438V variant (also known as c.1313C>T), located in coding exon 1 of the SAMD9 gene, results from a C to T substitution at nucleotide position 1313. The alanine at codon 438 is replaced by valine, an amino acid with similar properties. This amino acid position is conserved. In addition, this alteration is predicted to be tolerated by in silico analysis. Based on the available evidence, the clinical significance of this variant remains unclear.